The following is an entry in ClinVar:

ClinVar aggregate classification (germline): Uncertain significance. Review status: criteria provided, multiple submitters, no conflicts (2 of 4 stars). 2 submissions from 2 submitters: Uncertain significance (2). Last evaluated 2024-08-05.

Conditions:
Skeletal dysplasia, mild, with joint laxity and advanced bone age. Identifiers: MedGen C5394341, MONDO:0030029, OMIM 618870.

gnomAD v4.1: 3 of 1,613,740 alleles (0.00019%); highest among the groups gnomAD compares: East Asian, 0.0022%; no homozygotes.

Submissions (2):

Labcorp Genetics (formerly Invitae), Labcorp
Classification: Uncertain significance. Last evaluated: 2024-08-05. Review status: criteria provided, single submitter. Criteria: Invitae Variant Classification Sherloc (09022015). Collection method: clinical testing. Allele origin: germline.
Comment: This sequence change replaces arginine, which is basic and polar, with proline, which is neutral and non-polar, at codon 430 of the CSGALNACT1 protein (p.Arg430Pro). This variant is present in population databases (no rsID available, gnomAD 0.005%). This variant has not been reported in the literature in individuals affected with CSGALNACT1-related conditions. ClinVar contains an entry for this variant (Variation ID: 1468231). Advanced modeling of protein sequence and biophysical properties (such as structural, functional, and spatial information, amino acid conservation, physicochemical variation, residue mobility, and thermodynamic stability) performed at Invitae indicates that this missense variant is expected to disrupt CSGALNACT1 protein function with a positive predictive value of 80%. In summary, the available evidence is currently insufficient to determine the role of this variant in disease. Therefore, it has been classified as a Variant of Uncertain Significance.

Juno Genomics, Hangzhou Juno Genomics, Inc
Classification: Uncertain significance for Skeletal dysplasia, mild, with joint laxity and advanced bone age. Review status: criteria provided, single submitter. Criteria: ACMG Guidelines, 2015. Collection method: clinical testing. Allele origin: germline.
Comment: Absent from controls (or at extremely low frequency if recessive) in Genome Aggregation Database.

NM_001354483.2(CSGALNACT1):c.1289G>C (p.Arg430Pro)

Gene: CSGALNACT1 (chondroitin sulfate N-acetylgalactosaminyltransferase 1; minus strand). Cytogenetic location: 8p21.3.
Variant type: single nucleotide variant.
Coding change: c.1289G>C on transcript NM_001354483.2 (MANE Select); coding-DNA position 1289, G replaced by C.
Protein change: p.Arg430Pro; replaces arginine 430 with proline.
Molecular consequence: missense variant. On other transcripts: non-coding transcript variant (7).
Genome position (GRCh38, 1-based): chr8:19,408,633, C>G on the plus strand (G>C on the coding strand, the complement: CSGALNACT1 is on the minus strand). VCF-style: chr8-19408633-C-G. GRCh37 (hg19) VCF-style: chr8-19266144-C-G.
Other names: c.1289G>C, p.Arg430Pro (NM_001354490.2, NM_001354491.2, NM_001354492.2 and 18 more transcripts); short protein forms R430P.
Identifiers: ClinVar variation 1468231 (VCV001468231.8), dbSNP rs776884759, ClinGen allele CA370459154.